The following is an entry in ClinVar:

NM_152328.5(ADSS1):c.436G>A (p.Gly146Arg)

Gene: ADSS1 (adenylosuccinate synthase 1; plus strand). Cytogenetic location: 14q32.33.
Variant type: single nucleotide variant.
Coding change: c.436G>A on transcript NM_152328.5 (MANE Select); coding-DNA position 436, G replaced by A.
Protein change: p.Gly146Arg; replaces glycine 146 with arginine.
Molecular consequence: missense variant. On other transcripts: 5 prime UTR variant (1).
Genome position (GRCh38, 1-based): chr14:104,739,776, G>A. VCF-style: chr14-104739776-G-A. GRCh37 (hg19) VCF-style: chr14-105206113-G-A.
Other names: c.-180G>A (NM_001320424.1); c.565G>A, p.Gly189Arg (NM_199165.2); short protein forms G146R, G189R.
Identifiers: ClinVar variation 1681928 (VCV001681928.6), dbSNP rs778986361, ClinGen allele CA267336441.

ClinVar aggregate classification (germline): Uncertain significance (1 of 4 stars; one submission).

Allele frequency attached by ClinVar (database versions not stated): TOPMed 0.00001.
gnomAD v4.1: 20 of 1,613,876 alleles (0.0012%); highest among the groups gnomAD compares: East Asian, 0.0022%; no homozygotes.

Submission:

Labcorp Genetics (formerly Invitae), Labcorp
Classification: Uncertain significance. Last evaluated: 2021-03-01. Review status: criteria provided, single submitter. Criteria: Invitae Variant Classification Sherloc (09022015). Collection method: clinical testing. Allele origin: germline.
Comment: This sequence change replaces glycine with arginine at codon 189 of the ADSSL1 protein (p.Gly189Arg). The glycine residue is highly conserved and there is a moderate physicochemical difference between glycine and arginine. This variant is not present in population databases (ExAC no frequency). This variant has not been reported in the literature in individuals with ADSSL1-related conditions. Algorithms developed to predict the effect of missense changes on protein structure and function are either unavailable or do not agree on the potential impact of this missense change (SIFT: "Not Available"; PolyPhen-2: "Probably Damaging"; Align-GVGD: "Not Available"). In summary, the available evidence is currently insufficient to determine the role of this variant in disease. Therefore, it has been classified as a Variant of Uncertain Significance.